The following is an entry in ClinVar:

NM_002160.4(TNC):c.5810C>T (p.Thr1937Ile)

Gene: TNC (tenascin C; minus strand). Cytogenetic location: 9q33.1.
Variant type: single nucleotide variant.
Coding change: c.5810C>T on transcript NM_002160.4 (MANE Select); coding-DNA position 5810, C replaced by T.
Protein change: p.Thr1937Ile; replaces threonine 1937 with isoleucine.
Molecular consequence: missense variant.
Genome position (GRCh38, 1-based): chr9:115,031,663, G>A on the plus strand (C>T on the coding strand, the complement: TNC is on the minus strand). VCF-style: chr9-115031663-G-A. GRCh37 (hg19) VCF-style: chr9-117793942-G-A.
Other names: short protein forms T1937I.
Identifiers: ClinVar variation 1315921 (VCV001315921.5), dbSNP rs113316909, ClinGen allele CA5207518.
Genomic context (GRCh38, chr9:115,031,663, plus strand): 5'-GCCTGGATCTTGGCTGTGTAGTGGGTGGATGGGCTCAGGTCTGCCAGGCTGTAGGAGGTG[G>A]TATCTGGACCCACAATGACTTCCTAAGAGCAGAAGAAAAAGTATAATGGCTTTTGGTCAC-3'
Protein context (NP_002151.2, residues 1927-1947): TVKEVIVGPD[Thr1937Ile]TSYSLADLSP

ClinVar aggregate classification (germline): Likely benign. Review status: criteria provided, multiple submitters, no conflicts (2 of 4 stars). 3 submissions from 3 submitters: Likely benign (2). 1 of the submissions does not count toward it. Last evaluated 2024-10-01.

Conditions:
TNC-related disorder. Also called: TNC-related condition.

Allele frequency attached by ClinVar (database versions not stated): TOPMed 0.00014; ESP Exome Variant Server 0.00015; 1000 Genomes Project 30x 0.00016; 1000 Genomes Project 0.00020; gnomAD exomes 0.00038 and 0.00065; gnomAD 0.00055 and 0.00056; ExAC 0.00063.
gnomAD v4.1: 635 of 1,610,412 alleles (0.039%); highest among the groups gnomAD compares: South Asian, 0.096%; 2 homozygotes.

Submissions (3):

Blueprint Genetics
Classification: Likely benign. Last evaluated: 2024-10-01. Review status: criteria provided, single submitter. Criteria: ACMG Guidelines, 2015. Collection method: clinical testing. Allele origin: germline.

GeneDx
Classification: Likely benign. Last evaluated: 2021-07-22. Review status: criteria provided, single submitter. Criteria: GeneDx Variant Classification Process June 2021. Collection method: clinical testing. Allele origin: germline. Affected: yes.
Comment: In silico analysis, which includes protein predictors and evolutionary conservation, supports a deleterious effect; Has not been previously published as pathogenic or benign to our knowledge

PreventionGenetics, part of Exact Sciences
Classification: Likely benign for TNC-related condition. Last evaluated: 2019-12-03. Review status: no assertion criteria provided. Collection method: clinical testing. Allele origin: germline. Not counted in ClinVar's aggregate classification.
Comment: This variant is classified as likely benign based on ACMG/AMP sequence variant interpretation guidelines (Richards et al. 2015 PMID: 25741868, with internal and published modifications).